The following is an entry in ClinVar:

NM_024577.4(SH3TC2):c.3205-2A>G

Gene: SH3TC2 (SH3 domain and tetratricopeptide repeats 2; minus strand). Cytogenetic location: 5q32.
Variant type: single nucleotide variant.
Coding change: c.3205-2A>G on transcript NM_024577.4 (MANE Select); the canonical splice acceptor site of the intron before coding-DNA position 3205, A replaced by G.
Molecular consequence: splice acceptor variant.
Genome position (GRCh38, 1-based): chr5:149,010,394, T>C on the plus strand (A>G on the coding strand, the complement: SH3TC2 is on the minus strand). VCF-style: chr5-149010394-T-C. GRCh37 (hg19) VCF-style: chr5-148389957-T-C.
Identifiers: ClinVar variation 1520915 (VCV001520915.8), dbSNP rs2127392891, ClinGen allele CA361665035.

ClinVar aggregate classification (germline): Likely pathogenic (1 of 4 stars; one submission).

Conditions:
Charcot-Marie-Tooth disease type 4. Also called: Charcot-Marie-Tooth disease, type IV; Charcot-Marie-Tooth, Type 4. Identifiers: Orphanet 64749, MedGen C4082197, MONDO:0018995.

Allele frequency attached by ClinVar (database versions not stated): gnomAD exomes below 0.00001.
gnomAD v4.1: 1 of 1,613,838 alleles (0.000062%); highest among the groups gnomAD compares: Non-Finnish European, 0.000085%; no homozygotes.

Submission:

Labcorp Genetics (formerly Invitae), Labcorp
Classification: Likely pathogenic for Charcot-Marie-Tooth disease type 4. Last evaluated: 2021-01-12. Review status: criteria provided, single submitter. Criteria: Invitae Variant Classification Sherloc (09022015). Collection method: clinical testing. Allele origin: germline.
Comment: This sequence change affects an acceptor splice site in intron 13 of the SH3TC2 gene. It is expected to disrupt RNA splicing. Variants that disrupt the donor or acceptor splice site typically lead to a loss of protein function (PMID: 16199547), and loss-of-function variants in SH3TC2 are known to be pathogenic (PMID: 20220177, 27068304). This variant is not present in population databases (ExAC no frequency). This variant has not been reported in the literature in individuals with SH3TC2-related conditions. Algorithms developed to predict the effect of sequence changes on RNA splicing suggest that this variant may disrupt the consensus splice site, but this prediction has not been confirmed by published transcriptional studies. In summary, the currently available evidence indicates that the variant is pathogenic, but additional data are needed to prove that conclusively. Therefore, this variant has been classified as Likely Pathogenic.

Literature cited by the submitters: PubMed 16199547; PubMed 20220177; PubMed 27068304.